The following is an entry in ClinVar:

ClinVar aggregate classification (germline): Uncertain significance (1 of 4 stars; one submission).

Conditions:
MYH8-related disorder. Also called: MYH8-related condition.

Allele frequency attached by ClinVar (database versions not stated): gnomAD 0.00001; TOPMed 0.00003.
gnomAD v4.1: 10 of 1,613,802 alleles (0.00062%); highest among the groups gnomAD compares: African/African-American, 0.0093%; no homozygotes.

Submission:

PreventionGenetics, part of Exact Sciences
Classification: Uncertain significance for MYH8-related condition. Last evaluated: 2026-08-03. Review status: criteria provided, single submitter. Criteria: ACMG Guidelines, 2015. Collection method: clinical testing. Allele origin: germline.
Comment: The MYH8 c.2020C>T variant is predicted to result in the amino acid substitution p.Arg674Trp. To our knowledge, this variant has not been reported in the literature. It should be noted that the p.Arg674 amino acid has been reported to reside near the ATP binding site of the myosin heavy chain (Toydemir et al. 2006. PubMed ID: 17041932). Furthermore, the only causative variant reported in MYH8 to date results in a different substitution of this amino acid (p.Arg674Gln), and it has been proposed that the p.Arg674Gln amino acid change in the MYH8 protein may disrupt ATP binding (Veugelers et al. 2004. PubMed ID: 15282353; Toydemir et al. 2006. PubMed ID: 17041932). At PreventionGenetics, we have observed this variant in 2 individuals with features of MYH8-related disorders (internal data). This variant is reported in 0.031% of alleles in individuals of African descent in gnomAD. At this time, the clinical significance of this variant is uncertain due to the absence of conclusive functional and genetic evidence.

NM_002472.3(MYH8):c.2020C>T (p.Arg674Trp)

Genes: MYH8 (myosin heavy chain 8; minus strand), MYHAS (myosin heavy chain gene cluster antisense RNA; plus strand). Cytogenetic location: 17p13.1.
Variant type: single nucleotide variant.
Coding change: c.2020C>T on transcript NM_002472.3 (MANE Select); coding-DNA position 2020, C replaced by T.
Protein change: p.Arg674Trp; replaces arginine 674 with tryptophan.
Molecular consequence: missense variant.
Genome position (GRCh38, 1-based): chr17:10,406,925, G>A on the plus strand (C>T on the coding strand, the complement: MYH8 is on the minus strand). VCF-style: chr17-10406925-G-A. GRCh37 (hg19) VCF-style: chr17-10310242-G-A.
Other names: short protein forms R674W.
Identifiers: ClinVar variation 2634458 (VCV002634458.2), dbSNP rs762523289, ClinGen allele CA8387892.